The following is an entry in ClinVar:

NM_000094.4(COL7A1):c.683C>A (p.Pro228Gln)

Gene: COL7A1 (collagen type VII alpha 1 chain; minus strand). Cytogenetic location: 3p21.31.
Variant type: single nucleotide variant.
Coding change: c.683C>A on transcript NM_000094.4 (MANE Select); coding-DNA position 683, C replaced by A.
Protein change: p.Pro228Gln; replaces proline 228 with glutamine.
Molecular consequence: missense variant.
Genome position (GRCh38, 1-based): chr3:48,592,938, G>T on the plus strand (C>A on the coding strand, the complement: COL7A1 is on the minus strand). VCF-style: chr3-48592938-G-T. GRCh37 (hg19) VCF-style: chr3-48630371-G-T.
Other names: short protein forms P228Q.
Identifiers: ClinVar variation 2892499 (VCV002892499.3), dbSNP rs777688853, ClinGen allele CA352742856.
Genomic context (GRCh38, chr3:48,592,938, plus strand): 5'-AAGGATTGGCTGCTTGGCTCAGACAGCACCAGGTCTCGTGGAGCAGAGGTCGAGTCATCC[G>T]CTGGGAATGCGGGATCAGGGGATCAGGCAGGAGGATTGGGGTGGGCATGTATGATGCAGA-3'
Protein context (NP_000085.1, residues 218-238): TAGGVPVTRP[Pro228Gln]DDSTSAPRDL

ClinVar aggregate classification (germline): Uncertain significance (1 of 4 stars; one submission).

gnomAD v4.1: 3 of 1,613,654 alleles (0.00019%); highest among the groups gnomAD compares: Non-Finnish European, 0.00017%; no homozygotes.

Submission:

Labcorp Genetics (formerly Invitae), Labcorp
Classification: Uncertain significance. Last evaluated: 2024-09-05. Review status: criteria provided, single submitter. Criteria: Invitae Variant Classification Sherloc (09022015). Collection method: clinical testing. Allele origin: germline.
Comment: This sequence change replaces proline, which is neutral and non-polar, with glutamine, which is neutral and polar, at codon 228 of the COL7A1 protein (p.Pro228Gln). This variant is not present in population databases (gnomAD no frequency). This variant has not been reported in the literature in individuals affected with COL7A1-related conditions. Experimental studies and prediction algorithms are not available or were not evaluated, and the functional significance of this variant is currently unknown. In summary, the available evidence is currently insufficient to determine the role of this variant in disease. Therefore, it has been classified as a Variant of Uncertain Significance.